The following is an entry in ClinVar:

ClinVar aggregate classification (germline): Uncertain significance. Review status: criteria provided, multiple submitters, no conflicts (2 of 4 stars). 2 submissions from 2 submitters: Uncertain significance (2). Last evaluated 2025-10-30.

Conditions:
Left ventricular noncompaction 8 (LVNC8). Identifiers: Orphanet 154, Orphanet 54260, MedGen C3809288, MONDO:0014152, OMIM 615373.
Inborn genetic diseases. Identifiers: MedGen C0950123, MeSH D030342.

Allele frequency attached by ClinVar (database versions not stated): TOPMed below 0.00001; gnomAD 0.00001; gnomAD exomes 0.00001 and 0.00002; ExAC 0.00003.
gnomAD v4.1: 35 of 1,611,054 alleles (0.0022%); highest among the groups gnomAD compares: Non-Finnish European, 0.0029%; no homozygotes.

Submissions (2):

Ambry Genetics
Classification: Uncertain significance for Inborn genetic diseases. Last evaluated: 2025-10-30. Review status: criteria provided, single submitter. Criteria: Ambry Variant Classification Scheme 2023. Collection method: clinical testing. Allele origin: germline.

Labcorp Genetics (formerly Invitae), Labcorp
Classification: Uncertain significance for Left ventricular noncompaction 8. Last evaluated: 2017-07-10. Review status: criteria provided, single submitter. Criteria: Invitae Variant Classification Sherloc (09022015). Collection method: clinical testing. Allele origin: germline.
Comment: In summary, this variant has uncertain impact on PRDM16 function. The available evidence is currently insufficient to determine its role in disease. Therefore, it has been classified as a Variant of Uncertain Significance. Algorithms developed to predict the effect of missense changes on protein structure and function do not agree on the potential impact of this missense change (SIFT: "Deleterious"; PolyPhen-2: "Benign"; Align-GVGD: "Class C0"). This variant has not been reported in the literature in individuals with a PRDM16-related disease. This variant is present in population databases (rs754016475, ExAC 0.005%). This sequence change replaces histidine with proline at codon 494 of the PRDM16 protein (p.His494Pro). The histidine residue is highly conserved and there is a moderate physicochemical difference between histidine and proline.

NM_022114.4(PRDM16):c.1481A>C (p.His494Pro)

Gene: PRDM16 (PR/SET domain 16; plus strand). Cytogenetic location: 1p36.32.
Variant type: single nucleotide variant.
Coding change: c.1481A>C on transcript NM_022114.4 (MANE Select); coding-DNA position 1481, A replaced by C.
Protein change: p.His494Pro; replaces histidine 494 with proline.
Molecular consequence: missense variant.
Genome position (GRCh38, 1-based): chr1:3,411,678, A>C. VCF-style: chr1-3411678-A-C. GRCh37 (hg19) VCF-style: chr1-3328242-A-C.
Other names: c.1481A>C, p.His494Pro (NM_199454.3); short protein forms H494P.
Identifiers: ClinVar variation 474404 (VCV000474404.9), dbSNP rs754016475, ClinGen allele CA544203.